The following is an entry in ClinVar:

NM_000017.4(ACADS):c.337G>A (p.Gly113Arg)

Gene: ACADS (acyl-CoA dehydrogenase short chain; plus strand). Cytogenetic location: 12q24.31.
Variant type: single nucleotide variant.
Coding change: c.337G>A on transcript NM_000017.4 (MANE Select); coding-DNA position 337, G replaced by A.
Protein change: p.Gly113Arg; replaces glycine 113 with arginine.
Molecular consequence: missense variant.
Genome position (GRCh38, 1-based): chr12:120,737,112, G>A. VCF-style: chr12-120737112-G-A. GRCh37 (hg19) VCF-style: chr12-121174915-G-A.
Other names: c.337G>A (NM_000017.3); c.337G>A, p.Gly113Arg (NM_001302554.2); short protein forms G113R.
Identifiers: ClinVar variation 1434767 (VCV001434767.6), dbSNP rs781528570, ClinGen allele CA6830829.

ClinVar aggregate classification (germline): Uncertain significance. Review status: criteria provided, multiple submitters, no conflicts (2 of 4 stars). 2 submissions from 2 submitters: Uncertain significance (2). Last evaluated 2023-10-05.

Conditions:
ACADS-related disorder. Also called: ACADS-related condition.
Deficiency of butyryl-CoA dehydrogenase (ACADSD). Also called: ACADS DEFICIENCY; SCADH DEFICIENCY; Short-Chain Acyl-CoA Dehydrogenase Deficiency; ACYL-CoA DEHYDROGENASE, SHORT-CHAIN, DEFICIENCY OF; SCAD DEFICIENCY, MILD; SCAD Deficiency. Identifiers: Orphanet 26792, MedGen C0342783, MONDO:0008722, OMIM 201470. Disease mechanism: May be benign.

Allele frequency attached by ClinVar (database versions not stated): gnomAD exomes 0.00001; ExAC 0.00002.

Submissions (2):

Labcorp Genetics (formerly Invitae), Labcorp
Classification: Uncertain significance for Deficiency of butyryl-CoA dehydrogenase. Last evaluated: 2023-10-05. Review status: criteria provided, single submitter. Criteria: Invitae Variant Classification Sherloc (09022015). Collection method: clinical testing. Allele origin: germline.
Comment: This sequence change replaces glycine, which is neutral and non-polar, with arginine, which is basic and polar, at codon 113 of the ACADS protein (p.Gly113Arg). The frequency data for this variant in the population databases is considered unreliable, as metrics indicate poor data quality at this position in the gnomAD database. This variant has not been reported in the literature in individuals affected with ACADS-related conditions. ClinVar contains an entry for this variant (Variation ID: 1434767). Advanced modeling of protein sequence and biophysical properties (such as structural, functional, and spatial information, amino acid conservation, physicochemical variation, residue mobility, and thermodynamic stability) performed at Invitae indicates that this missense variant is expected to disrupt ACADS protein function. In summary, the available evidence is currently insufficient to determine the role of this variant in disease. Therefore, it has been classified as a Variant of Uncertain Significance.

PreventionGenetics, part of Exact Sciences
Classification: Uncertain significance for ACADS-related condition. Last evaluated: 2023-06-07. Review status: criteria provided, single submitter. Criteria: ACMG Guidelines, 2015. Collection method: clinical testing. Allele origin: germline.
Comment: The ACADS c.337G>A variant is predicted to result in the amino acid substitution p.Gly113Arg. This variant has been reported in one individual with newborn screening suggestive of short chain Acyl-CoA dehydrogenase deficiency (SCAD) (Tan et al. 2021 PubMed:34394177). This variant is reported in 0.0062% of alleles in individuals of East Asian descent in gnomAD. Although we suspect that this variant may be pathogenic, at this time, the clinical significance of this variant is uncertain due to the absence of conclusive functional and genetic evidence.